The following is an entry in ClinVar:

ClinVar aggregate classification (germline): Benign. Review status: criteria provided, multiple submitters, no conflicts (2 of 4 stars). 4 submissions from 4 submitters: Benign (3). 1 of the submissions does not count toward it. Last evaluated 2023-01-01.

Conditions:
XIRP1-related disorder. Also called: XIRP1-related condition.

Allele frequency attached by ClinVar (database versions not stated): 1000 Genomes Project 0.00379; 1000 Genomes Project 30x 0.00500; ExAC 0.00721; gnomAD 0.00737 and 0.00758; gnomAD exomes 0.00766 and 0.00998; TOPMed 0.00814; ESP Exome Variant Server 0.00984.

Submissions (4):

CeGaT Center for Human Genetics Tuebingen
Classification: Benign. Last evaluated: 2023-01-01. Review status: criteria provided, single submitter. Criteria: CeGaT Center For Human Genetics Tuebingen Variant Classification Criteria Version 2. Collection method: clinical testing. Allele origin: germline. Affected: yes. Observed: 1 variant allele.
Comment: XIRP1: BP4, BS1, BS2

Labcorp Genetics (formerly Invitae), Labcorp
Classification: Benign. Last evaluated: 2019-12-31. Review status: criteria provided, single submitter. Criteria: Invitae Variant Classification Sherloc (09022015). Collection method: clinical testing. Allele origin: germline.

Breakthrough Genomics
Classification: Benign. Review status: criteria provided, single submitter. Criteria: ACMG Guidelines, 2015. Collection method: not provided. Allele origin: germline. Inheritance: Unknown mechanism. Affected: yes.

PreventionGenetics, part of Exact Sciences
Classification: Benign for XIRP1-related condition. Last evaluated: 2019-06-12. Review status: no assertion criteria provided. Collection method: clinical testing. Allele origin: germline. Not counted in ClinVar's aggregate classification.
Comment: This variant is classified as benign based on ACMG/AMP sequence variant interpretation guidelines (Richards et al. 2015 PMID: 25741868, with internal and published modifications).

NM_194293.4(XIRP1):c.5352G>A (p.Met1784Ile)

Gene: XIRP1 (xin actin binding repeat containing 1; minus strand). Cytogenetic location: 3p22.2.
Variant type: single nucleotide variant.
Coding change: c.5352G>A on transcript NM_194293.4 (MANE Select); coding-DNA position 5352, G replaced by A.
Protein change: p.Met1784Ile; replaces methionine 1784 with isoleucine.
Molecular consequence: missense variant. On other transcripts: 3 prime UTR variant (1).
Genome position (GRCh38, 1-based): chr3:39,184,094, C>T on the plus strand (G>A on the coding strand, the complement: XIRP1 is on the minus strand). VCF-style: chr3-39184094-C-T. GRCh37 (hg19) VCF-style: chr3-39225585-C-T.
Other names: c.*1559G>A (NM_001198621.4); c.1401G>A, p.Met467Ile (NM_001351377.2); short protein forms M1784I, M467I.
Identifiers: ClinVar variation 781707 (VCV000781707.30), dbSNP rs146284335, ClinGen allele CA2325672.